The following is an entry in ClinVar:

NM_013280.5(FLRT1):c.251C>T (p.Thr84Ile)

Genes: FLRT1 (fibronectin leucine rich transmembrane protein 1; plus strand), MACROD1 (mono-ADP ribosylhydrolase 1; minus strand). Cytogenetic location: 11q13.1.
Variant type: single nucleotide variant.
Coding change: c.251C>T on transcript NM_013280.5 (MANE Select); coding-DNA position 251, C replaced by T.
Protein change: p.Thr84Ile; replaces threonine 84 with isoleucine.
Molecular consequence: missense variant. On other transcripts: intron variant (2).
Genome position (GRCh38, 1-based): chr11:64,116,518, C>T. VCF-style: chr11-64116518-C-T. GRCh37 (hg19) VCF-style: chr11-63883990-C-T.
Other names: c.251C>T, p.Thr84Ile (NM_001384466.1); c.167C>T, p.Thr56Ile (NM_001423967.1); c.517+34721G>A (NM_001411019.1, NM_014067.4); short protein forms T84I, T56I.
Identifiers: ClinVar variation 857225 (VCV000857225.12), dbSNP rs370410537, ClinGen allele CA6067446.

ClinVar aggregate classification (germline): Uncertain significance. Review status: criteria provided, multiple submitters, no conflicts (2 of 4 stars). 2 submissions from 2 submitters: Uncertain significance (2). Last evaluated 2025-07-15.

Conditions:
Peripheral neuropathy. Also called: Neuropathy. Identifiers: MedGen C0031117, MONDO:0005244, HP:0009830.

Allele frequency attached by ClinVar (database versions not stated): gnomAD exomes 0.00013; ExAC 0.00016; TOPMed 0.00017; gnomAD 0.00019 and 0.00021; ESP Exome Variant Server 0.00031.
gnomAD v4.1: 340 of 1,613,906 alleles (0.021%); highest among the groups gnomAD compares: Non-Finnish European, 0.028%; no homozygotes.

Submissions (2):

Ambry Genetics
Classification: Uncertain significance. Last evaluated: 2025-07-15. Review status: criteria provided, single submitter. Criteria: Ambry Variant Classification Scheme 2023. Collection method: clinical testing. Allele origin: germline.

Labcorp Genetics (formerly Invitae), Labcorp
Classification: Uncertain significance for Peripheral neuropathy. Last evaluated: 2022-05-04. Review status: criteria provided, single submitter. Criteria: Invitae Variant Classification Sherloc (09022015). Collection method: clinical testing. Allele origin: germline.
Comment: This variant is present in population databases (rs370410537, gnomAD 0.03%). In summary, the available evidence is currently insufficient to determine the role of this variant in disease. Therefore, it has been classified as a Variant of Uncertain Significance. Algorithms developed to predict the effect of missense changes on protein structure and function are either unavailable or do not agree on the potential impact of this missense change (SIFT: "Deleterious"; PolyPhen-2: "Benign"; Align-GVGD: "Class C0"). ClinVar contains an entry for this variant (Variation ID: 857225). This variant has not been reported in the literature in individuals affected with FLRT1-related conditions. This sequence change replaces threonine, which is neutral and polar, with isoleucine, which is neutral and non-polar, at codon 84 of the FLRT1 protein (p.Thr84Ile).